The following is an entry in ClinVar:

ClinVar aggregate classification (germline): Pathogenic. Review status: criteria provided, multiple submitters, no conflicts (2 of 4 stars). 2 submissions from 2 submitters: Pathogenic (2). Last evaluated 2026-02-01.

Conditions:
Neurofibromatosis, type 1 (NF1). Also called: VON RECKLINGHAUSEN DISEASE; NEUROFIBROMATOSIS, TYPE I, SOMATIC; Peripheral type neurofibromatosis; Neurofibromatosis, type I. Identifiers: Orphanet 636, MedGen C0027831, MONDO:0018975, OMIM 162200. Disease mechanism: loss of function.

Submissions (2):

CeGaT Center for Human Genetics Tuebingen
Classification: Pathogenic. Last evaluated: 2026-02-01. Review status: criteria provided, single submitter. Criteria: CeGaT Center For Human Genetics Tuebingen Variant Classification Criteria Version 2. Collection method: clinical testing. Allele origin: germline. Affected: yes. Observed: 1 variant allele.
Comment: NF1: PVS1, PM2

Labcorp Genetics (formerly Invitae), Labcorp
Classification: Pathogenic for Neurofibromatosis, type 1. Last evaluated: 2023-03-04. Review status: criteria provided, single submitter. Criteria: Invitae Variant Classification Sherloc (09022015). Collection method: clinical testing. Allele origin: germline.
Comment: For these reasons, this variant has been classified as Pathogenic. ClinVar contains an entry for this variant (Variation ID: 1075404). This premature translational stop signal has been observed in individual(s) with neurofibromatosis type 1 (Invitae). This variant is not present in population databases (gnomAD no frequency). This sequence change creates a premature translational stop signal (p.Leu494*) in the NF1 gene. It is expected to result in an absent or disrupted protein product. Loss-of-function variants in NF1 are known to be pathogenic (PMID: 10712197, 23913538).

Literature cited by the submitters: PubMed 10712197 (cited by Labcorp Genetics (formerly Invitae), Labcorp); PubMed 23913538 (cited by Labcorp Genetics (formerly Invitae), Labcorp).

NM_001042492.3(NF1):c.1481T>A (p.Leu494Ter)

Gene: NF1 (neurofibromin 1; plus strand). Cytogenetic location: 17q11.2.
Variant type: single nucleotide variant.
Coding change: c.1481T>A on transcript NM_001042492.3 (MANE Select); coding-DNA position 1481, T replaced by A.
Protein change: p.Leu494Ter; replaces leucine 494 with a stop codon.
Molecular consequence: nonsense.
Genome position (GRCh38, 1-based): chr17:31,214,539, T>A. VCF-style: chr17-31214539-T-A. GRCh37 (hg19) VCF-style: chr17-29541557-T-A.
Other names: c.1481T>A, p.Leu494Ter (NM_000267.4, NM_001128147.3); short protein forms L494*.
Identifiers: ClinVar variation 1075404 (VCV001075404.9), dbSNP rs2143959905, ClinGen allele CA399001604.